The following is an entry in ClinVar:

ClinVar aggregate classification (germline): Uncertain significance (1 of 4 stars; one submission).

Conditions:
Bethlem myopathy 2 (BTHLM2). Identifiers: Orphanet 536516, Orphanet 610, MedGen C4225313, MONDO:0034022, OMIM 616471.
Ullrich congenital muscular dystrophy 2 (UCMD2). Identifiers: Orphanet 75840, MedGen C4225314, MONDO:0014654, OMIM 616470.

Submission:

Labcorp Genetics (formerly Invitae), Labcorp
Classification: Uncertain significance for Bethlem myopathy 2; Ullrich congenital muscular dystrophy 2. Last evaluated: 2025-11-16. Review status: criteria provided, single submitter. Criteria: Invitae Variant Classification Sherloc (09022015). Collection method: clinical testing. Allele origin: germline.
Comment: This sequence change replaces glutamine, which is neutral and polar, with arginine, which is basic and polar, at codon 1873 of the COL12A1 protein (p.Gln1873Arg). This variant is present in population databases (rs748562409, gnomAD 0.0009%). This variant has not been reported in the literature in individuals affected with COL12A1-related conditions. Invitae Evidence Modeling of protein sequence and biophysical properties (such as structural, functional, and spatial information, amino acid conservation, physicochemical variation, residue mobility, and thermodynamic stability) indicates that this missense variant is not expected to disrupt COL12A1 protein function with a negative predictive value of 80%. In summary, the available evidence is currently insufficient to determine the role of this variant in disease. Therefore, it has been classified as a Variant of Uncertain Significance.

NM_004370.6(COL12A1):c.5618A>G (p.Gln1873Arg)

Gene: COL12A1 (collagen type XII alpha 1 chain; minus strand). Cytogenetic location: 6q13.
Variant type: single nucleotide variant.
Coding change: c.5618A>G on transcript NM_004370.6 (MANE Select); coding-DNA position 5618, A replaced by G.
Protein change: p.Gln1873Arg; replaces glutamine 1873 with arginine.
Molecular consequence: missense variant.
Genome position (GRCh38, 1-based): chr6:75,133,904, T>C on the plus strand (A>G on the coding strand, the complement: COL12A1 is on the minus strand). VCF-style: chr6-75133904-T-C. GRCh37 (hg19) VCF-style: chr6-75843620-T-C.
Other names: c.5618A>G, p.Gln1873Arg (NM_001424113.1); c.5597A>G, p.Gln1866Arg (NM_001424114.1); c.5345A>G, p.Gln1782Arg (NM_001424115.1); c.2126A>G, p.Gln709Arg (NM_001424116.1, NM_080645.3); short protein forms Q1873R, Q1782R, Q709R, Q1866R.
Identifiers: ClinVar variation 4792020 (VCV004792020.1).